The following is an entry in ClinVar:

NC_012920.1(MT-ND2):m.4491G>A

Gene: MT-ND2 (mitochondrially encoded NADH dehydrogenase 2; plus strand).
Variant type: single nucleotide variant.
Genome position: chrM-4491-G-A.
Identifiers: ClinVar variation 692448 (VCV000692448.1), dbSNP rs201172504, ClinGen allele CA337096887.

ClinVar aggregate classification (germline): Benign (1 of 4 stars; one submission).

Conditions:
Leigh syndrome (NULS). Also called: Leigh's necrotizing encephalopathy; Leigh's disease; Leigh Syndrome (mtDNA deletion); Leigh Disease; Subacute necrotizing encephalopathy; Necrotizing encephalopathy infantile subacute of Leigh. Identifiers: Orphanet 506, MedGen C2931891, MONDO:0009723, OMIM 256000.

Submission:

Wong Mito Lab, Molecular and Human Genetics, Baylor College of Medicine
Classification: Benign for Leigh syndrome. Last evaluated: 2019-10-17. Review status: criteria provided, single submitter. Criteria: Modified ACMG Guidelines (Unpublished). Collection method: clinical testing. Allele origin: germline.
Comment: The NC_012920.1:m.4491G>A (YP_003024027.1:p.Val8Ile) variant in MTND2 gene is interpretated to be a Benign variant based on the modified ACMG guidelines (unpublished). This variant meets the following evidence codes: BA1